The following is an entry in ClinVar:

ClinVar aggregate classification (germline): Uncertain significance (1 of 4 stars; one submission).

Conditions:
NKX2-6-related disorder. Also called: NKX2-6-related condition.

Submission:

PreventionGenetics, part of Exact Sciences
Classification: Uncertain significance for NKX2-6-related condition. Last evaluated: 2026-05-07. Review status: criteria provided, single submitter. Criteria: ACMG Guidelines, 2015. Collection method: clinical testing. Allele origin: germline.
Comment: The NKX2-6 c.672delG variant is predicted to result in a frameshift and premature protein termination (p.Gly224Glyfs*102). To our knowledge, this variant has not been reported in the literature or in a large population database (gnomAD), indicating this variant is rare. At this time, the clinical significance of this variant is uncertain due to the absence of conclusive functional and genetic evidence.

NM_001136271.3(NKX2-6):c.672del (p.Gly226fs)

Gene: NKX2-6 (NK2 homeobox 6; minus strand). Cytogenetic location: 8p21.2.
Variant type: Deletion.
Coding change: c.672del on transcript NM_001136271.3 (MANE Select); coding-DNA position 672, one base deleted (G; older notation c.672delG).
Protein change: p.Gly226fs; shifts the reading frame from glycine 226.
Molecular consequence: frameshift variant.
Genome position (GRCh38, 1-based): chr8:23,702,685, C deleted on the plus strand (G on the coding strand, the reverse complement: NKX2-6 is on the minus strand); the first of 3 consecutive C bases (chr8:23,702,685-23,702,687); deleting any one gives the same sequence. VCF-style (leftmost placement, unchanged base first): chr8-23702684-GC-G. GRCh37 (hg19) VCF-style: chr8-23560197-GC-G.
Other names: short protein forms G226fs.
Identifiers: ClinVar variation 4986271 (VCV004986271.1).